The following is an entry in ClinVar:

NM_001042492.3(NF1):c.4868dup (p.Ile1624fs)

Gene: NF1 (neurofibromin 1; plus strand). Cytogenetic location: 17q11.2.
Variant type: Duplication.
Coding change: c.4868dup on transcript NM_001042492.3 (MANE Select); coding-DNA position 4868, one base duplicated (T; older notation c.4868dupT).
Protein change: p.Ile1624fs; shifts the reading frame from isoleucine 1624.
Molecular consequence: frameshift variant.
Genome position (GRCh38, 1-based): chr17:31,325,852, T duplicated. VCF-style (leftmost placement, unchanged base first): chr17-31325851-C-CT. GRCh37 (hg19) VCF-style: chr17-29652869-C-CT.
Other names: c.4805dup, p.Ile1603Aspfs (NM_000267.4); short protein forms I1603fs, I1624fs.
Identifiers: ClinVar variation 2008453 (VCV002008453.4), dbSNP rs2508694271, ClinGen allele CA2580092925.
Genomic context (GRCh38, chr17:31,325,851, plus strand): 5'-ATCTTTGTCTTTTTTGTCATTTTCCTTAGGTTCAAAACTGGTCAAATCAATGGTGATTTG[C>CT]TGATATACCATGTCTTACTGACTTTAAAGCCATATTATGCAAAGCCATATGAAATTGTAG-3'

ClinVar aggregate classification (germline): Pathogenic (1 of 4 stars; one submission).

Conditions:
Neurofibromatosis, type 1 (NF1). Also called: Neurofibromatosis, type I; Peripheral type neurofibromatosis; VON RECKLINGHAUSEN DISEASE; NEUROFIBROMATOSIS, TYPE I, SOMATIC. Identifiers: Orphanet 636, MedGen C0027831, MONDO:0018975, OMIM 162200. Disease mechanism: loss of function.

Submission:

Labcorp Genetics (formerly Invitae), Labcorp
Classification: Pathogenic for Neurofibromatosis, type 1. Last evaluated: 2022-06-19. Review status: criteria provided, single submitter. Criteria: Invitae Variant Classification Sherloc (09022015). Collection method: clinical testing. Allele origin: germline.
Comment: For these reasons, this variant has been classified as Pathogenic. This variant has not been reported in the literature in individuals affected with NF1-related conditions. This variant is not present in population databases (gnomAD no frequency). This sequence change creates a premature translational stop signal (p.Ile1603Aspfs*17) in the NF1 gene. It is expected to result in an absent or disrupted protein product. Loss-of-function variants in NF1 are known to be pathogenic (PMID: 10712197, 23913538).

Literature cited by the submitters: PubMed 10712197; PubMed 23913538.